The following is an entry in ClinVar:

ClinVar aggregate classification (germline): Likely benign. Review status: criteria provided, multiple submitters, no conflicts (2 of 4 stars). 2 submissions from 2 submitters: Likely benign (2). Last evaluated 2025-08-02.

Conditions:
Inborn genetic diseases. Identifiers: MedGen C0950123, MeSH D030342.

Submissions (2):

Ambry Genetics
Classification: Likely benign for Inborn genetic diseases. Last evaluated: 2025-08-02. Review status: criteria provided, single submitter. Criteria: Ambry Variant Classification Scheme 2023. Collection method: clinical testing. Allele origin: germline.

CeGaT Center for Human Genetics Tuebingen
Classification: Likely benign. Last evaluated: 2025-05-01. Review status: criteria provided, single submitter. Criteria: CeGaT Center For Human Genetics Tuebingen Variant Classification Criteria Version 2. Collection method: clinical testing. Allele origin: germline. Affected: yes. Observed: 1 variant allele.
Comment: FANCA: BP4, BP7

NM_000135.4(FANCA):c.1962A>G (p.Thr654=)

Gene: FANCA (FA complementation group A; minus strand). Cytogenetic location: 16q24.3.
Variant type: single nucleotide variant.
Coding change: c.1962A>G on transcript NM_000135.4 (MANE Select); coding-DNA position 1962, A replaced by G.
Protein change: p.Thr654=; no amino-acid change (threonine 654 retained).
Molecular consequence: synonymous variant.
Genome position (GRCh38, 1-based): chr16:89,773,323, T>C on the plus strand (A>G on the coding strand, the complement: FANCA is on the minus strand). VCF-style: chr16-89773323-T-C. GRCh37 (hg19) VCF-style: chr16-89839731-T-C.
Other names: c.1962A>G, p.Thr654= (NM_001286167.3).
Identifiers: ClinVar variation 3905856 (VCV003905856.11).